The following is an entry in ClinVar:

ClinVar aggregate classification (germline): Likely pathogenic. Review status: criteria provided, multiple submitters, no conflicts (2 of 4 stars). 2 submissions from 2 submitters: Likely pathogenic (2). Last evaluated 2025-02-27.

Conditions:
Encephalopathy due to GLUT1 deficiency. Also called: GLUT1 deficiency syndrome 1, infantile onset, severe; GLUCOSE TRANSPORT DEFECT, BLOOD-BRAIN BARRIER; De Vivo disease; Glucose transporter protein syndrome; GLUT1 deficiency syndrome 1; Classic Glucose Transporter Type 1 Deficiency Syndrome. Identifiers: Orphanet 71277, MedGen C4551966, MONDO:0011724, OMIM 606777.

Submissions (2):

GeneDx
Classification: Likely pathogenic. Last evaluated: 2025-02-27. Review status: criteria provided, single submitter. Criteria: GeneDx Variant Classification Process June 2021. Collection method: clinical testing. Allele origin: germline. Affected: yes.
Comment: Not observed at significant frequency in large population cohorts (gnomAD); In silico analysis supports that this missense variant has a deleterious effect on protein structure/function; This variant is associated with the following publications: (PMID: 37335529)

Institute of Human Genetics, University of Leipzig Medical Center
Classification: Likely pathogenic for Encephalopathy due to GLUT1 deficiency. Last evaluated: 2022-05-18. Review status: criteria provided, single submitter. Criteria: ACMG Guidelines, 2015. Collection method: clinical testing. Allele origin: de novo. Affected: yes.
Comment: This variant was identified as de novo (maternity and paternity confirmed)._x000D_ Criteria applied: PS2_MOD, PM1, PM2_SUP, PP3

NM_006516.4(SLC2A1):c.209C>T (p.Ala70Val)

Gene: SLC2A1 (solute carrier family 2 member 1; minus strand). Cytogenetic location: 1p34.2.
Variant type: single nucleotide variant.
Coding change: c.209C>T on transcript NM_006516.4 (MANE Select); coding-DNA position 209, C replaced by T.
Protein change: p.Ala70Val; replaces alanine 70 with valine.
Molecular consequence: missense variant.
Genome position (GRCh38, 1-based): chr1:42,931,112, G>A on the plus strand (C>T on the coding strand, the complement: SLC2A1 is on the minus strand). VCF-style: chr1-42931112-G-A. GRCh37 (hg19) VCF-style: chr1-43396783-G-A.
Other names: c.209C>T (NM_006516.2); short protein forms A70V.
Identifiers: ClinVar variation 1691858 (VCV001691858.2), dbSNP rs2124450819, ClinGen allele CA339961984.